The following is an entry in ClinVar:

ClinVar aggregate classification (germline): Uncertain significance (1 of 4 stars; one submission).

Submission:

Ambry Genetics
Classification: Uncertain significance. Last evaluated: 2022-07-26. Review status: criteria provided, single submitter. Criteria: Ambry Variant Classification Scheme 2023. Collection method: clinical testing. Allele origin: germline.
Comment: The p.I305M variant (also known as c.915T>G), located in coding exon 11 of the NPAT gene, results from a T to G substitution at nucleotide position 915. The isoleucine at codon 305 is replaced by methionine, an amino acid with highly similar properties. This amino acid position is conserved. In addition, this alteration is predicted to be tolerated by in silico analysis. Since supporting evidence is limited at this time, the clinical significance of this alteration remains unclear.

NM_002519.3(NPAT):c.915T>G (p.Ile305Met)

Gene: NPAT (nuclear protein, coactivator of histone transcription; minus strand). Cytogenetic location: 11q22.3.
Variant type: single nucleotide variant.
Coding change: c.915T>G on transcript NM_002519.3 (MANE Select); coding-DNA position 915, T replaced by G.
Protein change: p.Ile305Met; replaces isoleucine 305 with methionine.
Molecular consequence: missense variant.
Genome position (GRCh38, 1-based): chr11:108,177,082, A>C on the plus strand (T>G on the coding strand, the complement: NPAT is on the minus strand). VCF-style: chr11-108177082-A-C. GRCh37 (hg19) VCF-style: chr11-108047809-A-C.
Other names: c.915T>G, p.Ile305Met (NM_001321307.1); short protein forms I305M.
Identifiers: ClinVar variation 1766010 (VCV001766010.2), dbSNP rs2496727378, ClinGen allele CA382517449.